The following is an entry in ClinVar:

NM_014244.5(ADAMTS2):c.1629+956G>A

Gene: ADAMTS2 (ADAM metallopeptidase with thrombospondin type 1 motif 2; minus strand). Cytogenetic location: 5q35.3.
Variant type: single nucleotide variant.
Coding change: c.1629+956G>A on transcript NM_014244.5 (MANE Select); 956 bases into the intron after coding-DNA position 1629, G replaced by A.
Molecular consequence: intron variant. On other transcripts: synonymous variant (1).
Genome position (GRCh38, 1-based): chr5:179,151,186, C>T on the plus strand (G>A on the coding strand, the complement: ADAMTS2 is on the minus strand). VCF-style: chr5-179151186-C-T. GRCh37 (hg19) VCF-style: chr5-178578187-C-T.
Other names: c.1644G>A, p.Ala548= (NM_021599.4).
Identifiers: ClinVar variation 3058696 (VCV003058696.2), dbSNP rs759295714, ClinGen allele CA3595837.

ClinVar aggregate classification (germline): Likely benign (0 of 4 stars; one submission).

Conditions:
ADAMTS2-related disorder. Also called: ADAMTS2-related condition.

Allele frequency attached by ClinVar (database versions not stated): gnomAD exomes 0.00003; TOPMed 0.00003; gnomAD 0.00006; ExAC 0.00020.
gnomAD v4.1: 13 of 318,180 alleles (0.0041%); highest among the groups gnomAD compares: South Asian, 0.026%; no homozygotes.

Submission:

PreventionGenetics, part of Exact Sciences
Classification: Likely benign for ADAMTS2-related condition. Last evaluated: 2019-03-01. Review status: no assertion criteria provided. Collection method: clinical testing. Allele origin: germline.
Comment: This variant is classified as likely benign based on ACMG/AMP sequence variant interpretation guidelines (Richards et al. 2015 PMID: 25741868, with internal and published modifications).